The following is an entry in ClinVar:

NM_052876.4(NACC1):c.1191C>T (p.Val397=)

Gene: NACC1 (nucleus accumbens associated 1; plus strand). Cytogenetic location: 19p13.13.
Variant type: single nucleotide variant.
Coding change: c.1191C>T on transcript NM_052876.4 (MANE Select); coding-DNA position 1191, C replaced by T.
Protein change: p.Val397=; no amino-acid change (valine 397 retained).
Molecular consequence: synonymous variant.
Genome position (GRCh38, 1-based): chr19:13,137,341, C>T. VCF-style: chr19-13137341-C-T. GRCh37 (hg19) VCF-style: chr19-13248155-C-T.
Other names: c.1191C>T (NM_052876.3).
Identifiers: ClinVar variation 1662626 (VCV001662626.11), dbSNP rs563515047, ClinGen allele CA9238454.

ClinVar aggregate classification (germline): Benign/Likely benign. Review status: criteria provided, multiple submitters, no conflicts (2 of 4 stars). 3 submissions from 3 submitters: Benign (1); Likely benign (1). 1 of the submissions does not count toward it. Last evaluated 2025-12-30.

Conditions:
NACC1-related disorder. Also called: NACC1-related condition.

Allele frequency attached by ClinVar (database versions not stated): TOPMed 0.00003; gnomAD 0.00009; gnomAD exomes 0.00011 and 0.00018; ExAC 0.00020; 1000 Genomes Project 30x 0.00078; 1000 Genomes Project 0.00100.
gnomAD v4.1: 179 of 1,613,898 alleles (0.011%); highest among the groups gnomAD compares: South Asian, 0.18%; 3 homozygotes.

Submissions (3):

Labcorp Genetics (formerly Invitae), Labcorp
Classification: Benign. Last evaluated: 2025-12-30. Review status: criteria provided, single submitter. Criteria: Invitae Variant Classification Sherloc (09022015). Collection method: clinical testing. Allele origin: germline.

Blueprint Genetics
Classification: Likely benign. Last evaluated: 2024-09-11. Review status: criteria provided, single submitter. Criteria: ACMG Guidelines, 2015. Collection method: clinical testing. Allele origin: germline.

PreventionGenetics, part of Exact Sciences
Classification: Likely benign for NACC1-related condition. Last evaluated: 2019-02-24. Review status: no assertion criteria provided. Collection method: clinical testing. Allele origin: germline. Not counted in ClinVar's aggregate classification.
Comment: This variant is classified as likely benign based on ACMG/AMP sequence variant interpretation guidelines (Richards et al. 2015 PMID: 25741868, with internal and published modifications).